The following is an entry in ClinVar:

NM_003482.4(KMT2D):c.7976C>T (p.Ala2659Val)

Gene: KMT2D (lysine methyltransferase 2D; minus strand). Cytogenetic location: 12q13.12.
Variant type: single nucleotide variant.
Coding change: c.7976C>T on transcript NM_003482.4 (MANE Select); coding-DNA position 7976, C replaced by T.
Protein change: p.Ala2659Val; replaces alanine 2659 with valine.
Molecular consequence: missense variant.
Genome position (GRCh38, 1-based): chr12:49,039,794, G>A on the plus strand (C>T on the coding strand, the complement: KMT2D is on the minus strand). VCF-style: chr12-49039794-G-A. GRCh37 (hg19) VCF-style: chr12-49433577-G-A.
Other names: short protein forms A2659V.
Identifiers: ClinVar variation 4801756 (VCV004801756.2).

ClinVar aggregate classification (germline): Uncertain significance. Review status: criteria provided, multiple submitters, no conflicts (2 of 4 stars). 2 submissions from 2 submitters: Uncertain significance (2). Last evaluated 2026-09-21.

Conditions:
Kabuki syndrome. Also called: Kabuki make-up syndrome; NIIKAWA-KUROKI SYNDROME. Identifiers: Orphanet 2322, MedGen C0796004, MONDO:0016512.
KMT2D-related disorder. Also called: KMT2D-Related Disorders.

Submissions (2):

PreventionGenetics, part of Exact Sciences
Classification: Uncertain significance for KMT2D-related condition. Last evaluated: 2026-09-21. Review status: criteria provided, single submitter. Criteria: ACMG Guidelines, 2015. Collection method: clinical testing. Allele origin: germline.
Comment: The KMT2D c.7976C>T variant is predicted to result in the amino acid substitution p.Ala2659Val. To our knowledge, this variant has not been reported in the literature or in a large population database (gnomAD), indicating this variant is rare. At this time, the clinical significance of this variant is uncertain due to the absence of conclusive functional and genetic evidence.

Labcorp Genetics (formerly Invitae), Labcorp
Classification: Uncertain significance for Kabuki syndrome. Last evaluated: 2025-02-12. Review status: criteria provided, single submitter. Criteria: Invitae Variant Classification Sherloc (09022015). Collection method: clinical testing. Allele origin: germline.
Comment: This sequence change replaces alanine, which is neutral and non-polar, with valine, which is neutral and non-polar, at codon 2659 of the KMT2D protein (p.Ala2659Val). This variant is not present in population databases (gnomAD no frequency). This variant has not been reported in the literature in individuals affected with KMT2D-related conditions. Invitae Evidence Modeling of protein sequence and biophysical properties (such as structural, functional, and spatial information, amino acid conservation, physicochemical variation, residue mobility, and thermodynamic stability) indicates that this missense variant is not expected to disrupt KMT2D protein function with a negative predictive value of 95%. In summary, the available evidence is currently insufficient to determine the role of this variant in disease. Therefore, it has been classified as a Variant of Uncertain Significance.